The following is an entry in ClinVar:

NM_000393.5(COL5A2):c.412G>A (p.Gly138Arg)

Gene: COL5A2 (collagen type V alpha 2 chain; minus strand). Cytogenetic location: 2q32.2.
Variant type: single nucleotide variant.
Coding change: c.412G>A on transcript NM_000393.5 (MANE Select); coding-DNA position 412, G replaced by A.
Protein change: p.Gly138Arg; replaces glycine 138 with arginine.
Molecular consequence: missense variant.
Genome position (GRCh38, 1-based): chr2:189,097,321, C>T on the plus strand (G>A on the coding strand, the complement: COL5A2 is on the minus strand). VCF-style: chr2-189097321-C-T. GRCh37 (hg19) VCF-style: chr2-189962047-C-T.
Other names: short protein forms G138R.
Identifiers: ClinVar variation 2828912 (VCV002828912.3), dbSNP rs2469390363, ClinGen allele CA349862880.

ClinVar aggregate classification (germline): Uncertain significance (1 of 4 stars; one submission).

Conditions:
Ehlers-Danlos syndrome, classic type, 1 (EDSCL1). Also called: EHLERS-DANLOS SYNDROME, GRAVIS TYPE; EHLERS-DANLOS SYNDROME, SEVERE CLASSIC TYPE; Ehlers-Danlos syndrome, type 1; Ehlers-Danlos Syndrome, Classic Type, COL5A1-Related; EDS I. Identifiers: MedGen C0268335, MONDO:0019567, OMIM 130000.

Submission:

Labcorp Genetics (formerly Invitae), Labcorp
Classification: Uncertain significance for Ehlers-Danlos syndrome, classic type, 1. Last evaluated: 2023-03-08. Review status: criteria provided, single submitter. Criteria: Invitae Variant Classification Sherloc (09022015). Collection method: clinical testing. Allele origin: germline.
Comment: This sequence change replaces glycine, which is neutral and non-polar, with arginine, which is basic and polar, at codon 138 of the COL5A2 protein (p.Gly138Arg). This variant is not present in population databases (gnomAD no frequency). This variant has not been reported in the literature in individuals affected with COL5A2-related conditions. Advanced modeling of protein sequence and biophysical properties (such as structural, functional, and spatial information, amino acid conservation, physicochemical variation, residue mobility, and thermodynamic stability) performed at Invitae indicates that this missense variant is not expected to disrupt COL5A2 protein function. In summary, the available evidence is currently insufficient to determine the role of this variant in disease. Therefore, it has been classified as a Variant of Uncertain Significance.